The following is an entry in ClinVar:

ClinVar aggregate classification (germline): Pathogenic (1 of 4 stars; one submission).

Conditions:
Carnitine palmitoyl transferase 1A deficiency. Also called: CPT deficiency, hepatic, type IA; CPT I DEFICIENCY; CPT DEFICIENCY, HEPATIC, TYPE I; Carnitine palmitoyltransferase type I deficiency; Carnitine palmitoyltransferase 1A deficiency. Identifiers: Orphanet 156, MedGen C1829703, MONDO:0009705, OMIM 255120.

Allele frequency attached by ClinVar (database versions not stated): gnomAD exomes below 0.00001.
gnomAD v4.1: 1 of 1,614,168 alleles (0.000062%); highest among the groups gnomAD compares: Non-Finnish European, 0.000085%; no homozygotes.

Submission:

Labcorp Genetics (formerly Invitae), Labcorp
Classification: Pathogenic for Carnitine palmitoyl transferase 1A deficiency. Last evaluated: 2023-10-26. Review status: criteria provided, single submitter. Criteria: Invitae Variant Classification Sherloc (09022015). Collection method: clinical testing. Allele origin: germline.
Comment: This sequence change creates a premature translational stop signal (p.Trp391*) in the CPT1A gene. It is expected to result in an absent or disrupted protein product. Loss-of-function variants in CPT1A are known to be pathogenic (PMID: 16169268). This variant is not present in population databases (gnomAD no frequency). This variant has not been reported in the literature in individuals affected with CPT1A-related conditions. For these reasons, this variant has been classified as Pathogenic.

Literature cited by the submitters: PubMed 16169268.

NM_001876.4(CPT1A):c.1173G>A (p.Trp391Ter)

Genes: CPT1A (carnitine palmitoyltransferase 1A; minus strand), LOC126861244 (BRD4-independent group 4 enhancer GRCh37_chr11:68549035-68550234; plus strand). Cytogenetic location: 11q13.3.
Variant type: single nucleotide variant.
Coding change: c.1173G>A on transcript NM_001876.4 (MANE Select); coding-DNA position 1173, G replaced by A.
Protein change: p.Trp391Ter; replaces tryptophan 391 with a stop codon.
Molecular consequence: nonsense.
Genome position (GRCh38, 1-based): chr11:68,781,950, C>T on the plus strand (G>A on the coding strand, the complement: CPT1A is on the minus strand). VCF-style: chr11-68781950-C-T. GRCh37 (hg19) VCF-style: chr11-68549418-C-T.
Other names: c.1173G>A, p.Trp391Ter (NM_001031847.3); short protein forms W391*.
Identifiers: ClinVar variation 3018763 (VCV003018763.3), dbSNP rs2495578086, ClinGen allele CA381631994.
Genomic context (GRCh38, chr11:68,781,950, plus strand): 5'-CACAGCATCAAGAGACTGCTTATTTTTCCCACGTCCAAAATAGGCCTGACGACACCTGGC[C>T]CAGGGAACTCTGCAGTGAAGATGAAATACGATTAAAGGCAGCCCGACCTGCAGCGATGGA-3'